The following is an entry in ClinVar:

NM_001114753.3(ENG):c.1565C>T (p.Pro522Leu)

Genes: ENG (endoglin; minus strand), LOC102723566 (uncharacterized LOC102723566; plus strand). Cytogenetic location: 9q34.11.
Variant type: single nucleotide variant.
Coding change: c.1565C>T on transcript NM_001114753.3 (MANE Select); coding-DNA position 1565, C replaced by T.
Protein change: p.Pro522Leu; replaces proline 522 with leucine.
Molecular consequence: missense variant.
Genome position (GRCh38, 1-based): chr9:127,818,241, G>A on the plus strand (C>T on the coding strand, the complement: ENG is on the minus strand). VCF-style: chr9-127818241-G-A. GRCh37 (hg19) VCF-style: chr9-130580520-G-A.
Other names: c.1565C>T, p.Pro522Leu (NM_000118.4); c.1019C>T, p.Pro340Leu (NM_001278138.2); c.1565C>T (NM_001114753.1); short protein forms P522L, P340L.
Identifiers: ClinVar variation 1034426 (VCV001034426.11), dbSNP rs929266862, ClinGen allele CA374975545.

ClinVar aggregate classification (germline): Conflicting classifications of pathogenicity. Review status: criteria provided, conflicting classifications (1 of 4 stars). 2 submissions from 2 submitters: Uncertain significance (1); Likely benign (1). Last evaluated 2026-01-22.

Conditions:
Cardiovascular phenotype. Identifiers: MedGen CN230736.
Hereditary hemorrhagic telangiectasia (HHT). Also called: Osler hemorrhagic telangiectasia syndrome; ORW DISEASE; Osler Weber Rendu syndrome; OSLER-RENDU-WEBER DISEASE. Identifiers: Orphanet 774, MedGen C0039445, MONDO:0019180. Disease mechanism: loss of function.

Allele frequency attached by ClinVar (database versions not stated): gnomAD exomes below 0.00001.
gnomAD v4.1: 1 of 1,614,204 alleles (0.000062%); highest among the groups gnomAD compares: Middle Eastern, 0.016%; no homozygotes.

Submissions (2):

Ambry Genetics
Classification: Uncertain significance for Cardiovascular phenotype. Last evaluated: 2026-01-22. Review status: criteria provided, single submitter. Criteria: Ambry Variant Classification Scheme 2023. Collection method: clinical testing. Allele origin: germline.
Comment: The p.P522L variant (also known as c.1565C>T), located in coding exon 12 of the ENG gene, results from a C to T substitution at nucleotide position 1565. The proline at codon 522 is replaced by leucine, an amino acid with similar properties. This amino acid position is conserved. In addition, this alteration is predicted to be tolerated by in silico analysis. Based on the available evidence, the clinical significance of this variant remains unclear.

Labcorp Genetics (formerly Invitae), Labcorp
Classification: Likely benign for Hereditary hemorrhagic telangiectasia. Last evaluated: 2022-08-09. Review status: criteria provided, single submitter. Criteria: Invitae Variant Classification Sherloc (09022015). Collection method: clinical testing. Allele origin: germline.